The following is an entry in ClinVar:

NM_001916.5(CYC1):c.625G>A (p.Asp209Asn)

Gene: CYC1 (cytochrome c1; plus strand). Cytogenetic location: 8q24.3.
Variant type: single nucleotide variant.
Coding change: c.625G>A on transcript NM_001916.5 (MANE Select); coding-DNA position 625, G replaced by A.
Protein change: p.Asp209Asn; replaces aspartic acid 209 with asparagine.
Molecular consequence: missense variant.
Genome position (GRCh38, 1-based): chr8:144,096,597, G>A. VCF-style: chr8-144096597-G-A. GRCh37 (hg19) VCF-style: chr8-145151500-G-A.
Other names: c.625G>A (NM_001916.4); short protein forms D209N.
Identifiers: ClinVar variation 2051142 (VCV002051142.6), dbSNP rs562084132, ClinGen allele CA4933467.

ClinVar aggregate classification (germline): Uncertain significance. Review status: criteria provided, multiple submitters, no conflicts (2 of 4 stars). 3 submissions from 3 submitters: Uncertain significance (3). Last evaluated 2025-09-02.

Allele frequency attached by ClinVar (database versions not stated): TOPMed 0.00018; ExAC 0.00026; gnomAD 0.00027.
gnomAD v4.1: 451 of 1,613,948 alleles (0.028%); highest among the groups gnomAD compares: Middle Eastern, 0.066%; 1 homozygote.

Submissions (3):

Labcorp Genetics (formerly Invitae), Labcorp
Classification: Uncertain significance. Last evaluated: 2025-09-02. Review status: criteria provided, single submitter. Criteria: Invitae Variant Classification Sherloc (09022015). Collection method: clinical testing. Allele origin: germline.
Comment: This sequence change replaces aspartic acid, which is acidic and polar, with asparagine, which is neutral and polar, at codon 209 of the CYC1 protein (p.Asp209Asn). This variant is present in population databases (rs562084132, gnomAD 0.2%), and has an allele count higher than expected for a pathogenic variant. This variant has not been reported in the literature in individuals affected with CYC1-related conditions. ClinVar contains an entry for this variant (Variation ID: 2051142). Invitae Evidence Modeling of protein sequence and biophysical properties (such as structural, functional, and spatial information, amino acid conservation, physicochemical variation, residue mobility, and thermodynamic stability) indicates that this missense variant is not expected to disrupt CYC1 protein function with a negative predictive value of 80%. In summary, the available evidence is currently insufficient to determine the role of this variant in disease. Therefore, it has been classified as a Variant of Uncertain Significance.

GeneDx
Classification: Uncertain significance. Last evaluated: 2024-09-20. Review status: criteria provided, single submitter. Criteria: GeneDx Variant Classification Process June 2021. Collection method: clinical testing. Allele origin: germline. Affected: yes.
Comment: In silico analysis supports that this missense variant has a deleterious effect on protein structure/function; Has not been previously published as pathogenic or benign to our knowledge

Ambry Genetics
Classification: Uncertain significance. Last evaluated: 2022-01-05. Review status: criteria provided, single submitter. Criteria: Ambry Variant Classification Scheme 2023. Collection method: clinical testing. Allele origin: germline.